The following is an entry in ClinVar:

ClinVar aggregate classification (germline): Pathogenic/Likely pathogenic. Review status: criteria provided, multiple submitters, no conflicts (2 of 4 stars). 5 submissions from 5 submitters: Pathogenic (2); Likely pathogenic (3). Last evaluated 2025-10-21.

Conditions:
Wilson disease (WND). Also called: Wilson's disease. Identifiers: Orphanet 905, MedGen C0019202, MONDO:0010200, OMIM 277900. Disease mechanism: loss of function.

Allele frequency attached by ClinVar (database versions not stated): TOPMed below 0.00001.

Submissions (5):

Women's Health and Genetics/Laboratory Corporation of America, LabCorp
Classification: Likely pathogenic for Wilson disease. Last evaluated: 2025-10-21. Review status: criteria provided, single submitter. Criteria: LabCorp Variant Classification Summary - May 2015. Collection method: clinical testing. Allele origin: germline.
Comment: Variant summary: ATP7B c.3062T>A (p.Ile1021Lys) results in a non-conservative amino acid change located in the heavy metal-associated domain, HMA (IPR006121) of the encoded protein sequence. Algorithms developed to predict the effect of missense changes on protein structure and function all suggest that this variant is likely to be disruptive. Several computational tools predict a significant impact on normal splicing: Three predict the variant weakens a 3' acceptor site. However, these predictions have yet to be confirmed by functional studies. The variant was absent in 246446 control chromosomes. c.3062T>A has been reported in the literature in the compound heterozygous state in multiple individuals affected with Wilson Disease and segregated with disease in at least one family (e.g. Sandahl_2022, Moller_2011). These data indicate that the variant may be associated with disease. To our knowledge, no experimental evidence demonstrating an impact on protein function has been reported. The following publications have been ascertained in the context of this evaluation (PMID: 21610751, 34773664, 31059521, 23235335). ClinVar contains an entry for this variant (Variation ID: 1075646). Based on the evidence outlined above, the variant was classified as likely pathogenic.

Labcorp Genetics (formerly Invitae), Labcorp
Classification: Pathogenic for Wilson disease. Last evaluated: 2024-07-19. Review status: criteria provided, single submitter. Criteria: Invitae Variant Classification Sherloc (09022015). Collection method: clinical testing. Allele origin: germline.
Comment: This sequence change replaces isoleucine, which is neutral and non-polar, with lysine, which is basic and polar, at codon 1021 of the ATP7B protein (p.Ile1021Lys). This variant is not present in population databases (gnomAD no frequency). This missense change has been observed in individual(s) with Wilson disease (PMID: 21610751). In at least one individual the data is consistent with being in trans (on the opposite chromosome) from a pathogenic variant. ClinVar contains an entry for this variant (Variation ID: 1075646). An algorithm developed to predict the effect of missense changes on protein structure and function (PolyPhen-2) suggests that this variant is likely to be disruptive. For these reasons, this variant has been classified as Pathogenic.

Natera, Inc.
Classification: Likely pathogenic for Wilson disease. Last evaluated: 2024-03-25. Review status: criteria provided, single submitter. Criteria: Natera Variant Classification Schema (03/2026). Collection method: clinical testing. Allele origin: germline.
Comment: The c.3062T>A variant in ATP7B is a missense variant predicted to cause substitution of isoleucine to lysine at amino acid 1021. This variant is rare in the general population with a frequency below the threshold expected for the associated phenotype(s). This variant has been observed in one or more individuals affected with the associated recessive disease, as either homozygous or compound heterozygous with a second variant (PMID: 21610751, 34773664). Additionally, this variant has been observed to segregate in affected family members (PMID: 21610751). Computational prediction algorithms indicate this variant is likely to affect gene or protein function. Given the available evidence, this variant is classified as Likely Pathogenic.

Baylor Genetics
Classification: Pathogenic for Wilson disease. Last evaluated: 2024-03-11. Review status: criteria provided, single submitter. Criteria: ACMG Guidelines, 2015. Collection method: clinical testing. Allele origin: unknown.

Genome-Nilou Lab
Classification: Likely pathogenic for Wilson disease. Last evaluated: 2021-08-10. Review status: criteria provided, single submitter. Criteria: ACMG Guidelines, 2015. Collection method: clinical testing. Allele origin: germline. Affected: no.

Literature cited by the submitters: PubMed 21610751 (cited by 3 submitters); PubMed 23235335 (cited by Women's Health and Genetics/Laboratory Corporation of America, LabCorp); PubMed 31059521 (cited by Women's Health and Genetics/Laboratory Corporation of America, LabCorp); PubMed 34773664 (cited by Women's Health and Genetics/Laboratory Corporation of America, LabCorp and Natera, Inc.).

NM_000053.4(ATP7B):c.3062T>A (p.Ile1021Lys)

Gene: ATP7B (ATPase copper transporting beta; minus strand). Cytogenetic location: 13q14.3.
Variant type: single nucleotide variant.
Coding change: c.3062T>A on transcript NM_000053.4 (MANE Select); coding-DNA position 3062, T replaced by A.
Protein change: p.Ile1021Lys; replaces isoleucine 1021 with lysine.
Molecular consequence: missense variant.
Genome position (GRCh38, 1-based): chr13:51,944,290, A>T on the plus strand (T>A on the coding strand, the complement: ATP7B is on the minus strand). VCF-style: chr13-51944290-A-T. GRCh37 (hg19) VCF-style: chr13-52518426-A-T.
Other names: c.2441T>A, p.Ile814Lys (NM_001005918.3); c.2729T>A, p.Ile910Lys (NM_001243182.2); c.2828T>A, p.Ile943Lys (NM_001330578.2); c.2810T>A, p.Ile937Lys (NM_001330579.2); c.3062T>A (NM_000053.3); short protein forms I1021K, I814K, I910K, I937K, I943K.
Identifiers: ClinVar variation 1075646 (VCV001075646.15), dbSNP rs949421614, ClinGen allele CA250080312.